The following is an entry in ClinVar:

ClinVar aggregate classification (germline): Uncertain significance (0 of 4 stars; one submission).

Conditions:
Developmental and epileptic encephalopathy, 16 (DEE16). Also called: Early infantile epileptic encephalopathy 16; TBC1D24-Related Developmental and Epileptic Encephalopathy (DEE). Identifiers: Orphanet 293181, Orphanet 352596, MedGen C3809173, MONDO:0014133, OMIM 615338.

Submission:

Hong-Tao Li Lab, Institute of Brain Science and Brain-inspired Research, Shandong First Medical University & Shandong Academy of Medical Sciences China
Classification: Uncertain significance for Developmental and epileptic encephalopathy, 16. Review status: no assertion criteria provided. Collection method: research. Allele origin: germline. Inheritance: Autosomal recessive inheritance. Affected: yes. Observed: 1 variant allele, 1 homozygote.
Comment: Observed in affected individuals from a Pakistani neurodevelopmental-disorder research cohort of 263 individuals. Classification assigned using the ACMG/AMP framework.

NM_001199107.2(TBC1D24):c.649T>A (p.Phe217Ile)

Gene: TBC1D24 (TBC1 domain family member 24; plus strand). Cytogenetic location: 16p13.3.
Variant type: single nucleotide variant.
Coding change: c.649T>A on transcript NM_001199107.2 (MANE Select); coding-DNA position 649, T replaced by A.
Protein change: p.Phe217Ile; replaces phenylalanine 217 with isoleucine.
Molecular consequence: missense variant.
Genome position (GRCh38, 1-based): chr16:2,496,797, T>A. VCF-style: chr16-2496797-T-A. GRCh37 (hg19) VCF-style: chr16-2546798-T-A.
Other names: c.649T>A, p.Phe217Ile (NM_020705.3); short protein forms F217I.
Identifiers: ClinVar variation 4884783 (VCV004884783.1).